The following is an entry in ClinVar:

NM_000435.3(NOTCH3):c.304G>A (p.Ala102Thr)

Gene: NOTCH3 (notch receptor 3; minus strand). Cytogenetic location: 19p13.12.
Variant type: single nucleotide variant.
Coding change: c.304G>A on transcript NM_000435.3 (MANE Select); coding-DNA position 304, G replaced by A.
Protein change: p.Ala102Thr; replaces alanine 102 with threonine.
Molecular consequence: missense variant.
Genome position (GRCh38, 1-based): chr19:15,192,413, C>T on the plus strand (G>A on the coding strand, the complement: NOTCH3 is on the minus strand). VCF-style: chr19-15192413-C-T. GRCh37 (hg19) VCF-style: chr19-15303224-C-T.
Other names: p.Ala102Thr; short protein forms A102T.
Identifiers: ClinVar variation 4684328 (VCV004684328.1).

ClinVar aggregate classification (germline): Likely benign (1 of 4 stars; one submission).

gnomAD v4.1: 19 of 1,612,212 alleles (0.0012%); highest among the groups gnomAD compares: South Asian, 0.0033%; no homozygotes.

Submission:

Mayo Clinic Laboratories, Mayo Clinic
Classification: Likely benign. Last evaluated: 2025-10-31. Review status: criteria provided, single submitter. Criteria: ACMG Guidelines, 2015. Collection method: clinical testing. Allele origin: germline. Observed: 1 variant allele.
Comment: BS2, BP1, BP4